The following is an entry in ClinVar:

NM_001199397.3(NEK1):c.2371G>A (p.Gly791Arg)

Gene: NEK1 (NIMA related kinase 1; minus strand). Cytogenetic location: 4q33.
Variant type: single nucleotide variant.
Coding change: c.2371G>A on transcript NM_001199397.3 (MANE Select); coding-DNA position 2371, G replaced by A.
Protein change: p.Gly791Arg; replaces glycine 791 with arginine.
Molecular consequence: missense variant. On other transcripts: non-coding transcript variant (1).
Genome position (GRCh38, 1-based): chr4:169,477,187, C>T on the plus strand (G>A on the coding strand, the complement: NEK1 is on the minus strand). VCF-style: chr4-169477187-C-T. GRCh37 (hg19) VCF-style: chr4-170398338-C-T.
Other names: c.2239G>A, p.Gly747Arg (NM_001199398.3); c.2080G>A, p.Gly694Arg (NM_001199399.3); c.2155G>A, p.Gly719Arg (NM_001199400.3); c.2371G>A, p.Gly791Arg (NM_001374418.1); c.2287G>A, p.Gly763Arg (NM_001374419.1, NM_012224.4); c.2236G>A, p.Gly746Arg (NM_001374420.1); c.2065G>A, p.Gly689Arg (NM_001374421.1); short protein forms G694R, G763R, G791R, G746R, G689R, G719R, G747R.
Identifiers: ClinVar variation 1965742 (VCV001965742.5), dbSNP rs370086259, ClinGen allele CA3137433.

ClinVar aggregate classification (germline): Uncertain significance (1 of 4 stars; one submission).

Conditions:
Short-rib thoracic dysplasia 6 with or without polydactyly (SRTD6). Also called: Majewski Syndrome; POLYDACTYLY WITH NEONATAL CHONDRODYSTROPHY, TYPE II; SHORT RIB-POLYDACTYLY SYNDROME, TYPE IIA; SHORT-RIB THORACIC DYSPLASIA 6 WITH POLYDACTYLY; SHORT-RIB THORACIC DYSPLASIA 6 WITHOUT POLYDACTYLY. Identifiers: MedGen C0024507, MONDO:0009894, OMIM 263520.

Allele frequency attached by ClinVar (database versions not stated): gnomAD exomes below 0.00001; ExAC 0.00001; ESP Exome Variant Server 0.00008.
gnomAD v4.1: 2 of 1,608,660 alleles (0.00012%); highest among the groups gnomAD compares: Non-Finnish European, 0.00017%; no homozygotes.

Submission:

Labcorp Genetics (formerly Invitae), Labcorp
Classification: Uncertain significance for Short-rib thoracic dysplasia 6 with or without polydactyly. Last evaluated: 2024-05-24. Review status: criteria provided, single submitter. Criteria: Invitae Variant Classification Sherloc (09022015). Collection method: clinical testing. Allele origin: germline.
Comment: This sequence change replaces glycine, which is neutral and non-polar, with arginine, which is basic and polar, at codon 763 of the NEK1 protein (p.Gly763Arg). This variant is present in population databases (rs370086259, gnomAD 0.0009%). This variant has not been reported in the literature in individuals affected with NEK1-related conditions. ClinVar contains an entry for this variant (Variation ID: 1965742). Advanced modeling of protein sequence and biophysical properties (such as structural, functional, and spatial information, amino acid conservation, physicochemical variation, residue mobility, and thermodynamic stability) has been performed at Invitae for this missense variant, however the output from this modeling did not meet the statistical confidence thresholds required to predict the impact of this variant on NEK1 protein function. In summary, the available evidence is currently insufficient to determine the role of this variant in disease. Therefore, it has been classified as a Variant of Uncertain Significance.